The following is an entry in ClinVar:

NM_000059.4(BRCA2):c.707A>T (p.His236Leu)

Gene: BRCA2 (BRCA2 DNA repair associated; plus strand). Cytogenetic location: 13q13.1.
Variant type: single nucleotide variant.
Coding change: c.707A>T on transcript NM_000059.4 (MANE Select); coding-DNA position 707, A replaced by T.
Protein change: p.His236Leu; replaces histidine 236 with leucine.
Molecular consequence: missense variant.
Genome position (GRCh38, 1-based): chr13:32,330,944, A>T. VCF-style: chr13-32330944-A-T. GRCh37 (hg19) VCF-style: chr13-32905081-A-T.
Other names: c.707A>T (NM_000059.3); short protein forms H236L.
Identifiers: ClinVar variation 1037626 (VCV001037626.11), dbSNP rs80358938, ClinGen allele CA387759933.
Genomic context (GRCh38, chr13:32,330,944, plus strand): 5'-TTTATACTAGTGATTTTAAACTATAATTTTTGCAGAATGTGAAAAGCTATTTTTCCAATC[A>T]TGATGAAAGTCTGAAGAAAAATGATAGATTTATCGCTTCTGTGACAGACAGTGAAAACAC-3'
Protein context (NP_000050.3, residues 226-246): TANVKSYFSN[His236Leu]DESLKKNDRF

ClinVar aggregate classification (germline): Uncertain significance. Review status: criteria provided, multiple submitters, no conflicts (2 of 4 stars). 2 submissions from 2 submitters: Uncertain significance (2). Last evaluated 2023-08-29.

Conditions:
Hereditary cancer-predisposing syndrome. Also called: Neoplastic Syndromes, Hereditary; Hereditary Cancer Syndrome; Tumor predisposition; Hereditary neoplastic syndrome. Identifiers: Orphanet 140162, MedGen C0027672, MeSH D009386, MONDO:0015356.
Hereditary breast ovarian cancer syndrome. Also called: Hereditary breast and ovarian cancer syndrome; Hereditary breast and ovarian cancer syndrome (HBOC); BRCA1- and BRCA2-Associated Hereditary Breast and Ovarian Cancer; Hereditary breast and ovarian cancer; Hereditary breast and/or ovarian cancer syndrome; Breast and ovarian cancer. Identifiers: Orphanet 145, MedGen C0677776, MeSH D061325, MONDO:0003582. Disease mechanism: loss of function.

Submissions (2):

Ambry Genetics
Classification: Uncertain significance for Hereditary cancer-predisposing syndrome. Last evaluated: 2023-08-29. Review status: criteria provided, single submitter. Criteria: Ambry Variant Classification Scheme 2023. Collection method: clinical testing. Allele origin: germline.
Comment: The p.H236L variant (also known as c.707A>T), located in coding exon 8 of the BRCA2 gene, results from an A to T substitution at nucleotide position 707. The histidine at codon 236 is replaced by leucine, an amino acid with similar properties. This amino acid position is conserved. In addition, this alteration is predicted to be tolerated by in silico analysis. Since supporting evidence is limited at this time, the clinical significance of this alteration remains unclear.

Labcorp Genetics (formerly Invitae), Labcorp
Classification: Uncertain significance for Hereditary breast ovarian cancer syndrome. Last evaluated: 2020-09-15. Review status: criteria provided, single submitter. Criteria: Invitae Variant Classification Sherloc (09022015). Collection method: clinical testing. Allele origin: germline.
Comment: This sequence change replaces histidine with leucine at codon 236 of the BRCA2 protein (p.His236Leu). The histidine residue is moderately conserved and there is a moderate physicochemical difference between histidine and leucine. This variant is not present in population databases (ExAC no frequency). This variant has not been reported in the literature in individuals with BRCA2-related conditions. Advanced modeling of protein sequence and biophysical properties (such as structural, functional, and spatial information, amino acid conservation, physicochemical variation, residue mobility, and thermodynamic stability) performed at Invitae indicates that this missense variant is not expected to disrupt BRCA2 protein function. In summary, the available evidence is currently insufficient to determine the role of this variant in disease. Therefore, it has been classified as a Variant of Uncertain Significance.